The following is an entry in ClinVar:

ClinVar aggregate classification (germline): Likely pathogenic (1 of 4 stars; one submission).

Conditions:
Neurodevelopmental disorder with hypotonia, impaired language, and dysmorphic features. Also called: Intellectual disability, autosomal dominant 40. Identifiers: Orphanet 692193, MedGen C5676894, MONDO:0014699, OMIM 616579.

Submission:

3billion
Classification: Likely pathogenic for Neurodevelopmental disorder with hypotonia, impaired language, and dysmorphic features. Last evaluated: 2023-02-23. Review status: criteria provided, single submitter. Criteria: ACMG Guidelines, 2015. Collection method: clinical testing. Allele origin: unknown. Affected: yes.
Comment: The variant is not observed in the gnomAD v2.1.1 dataset. This variant was predicted to result in a loss or disruption of normal protein function through protein truncation. Multiple pathogenic variants are reported in the predicted truncated region. Therefore, this variant is classified as Likely pathogenic according to the recommendation of ACMG/AMP guideline.

NM_032436.4(CHAMP1):c.2004_2005del (p.Asn669fs)

Gene: CHAMP1 (chromosome alignment maintaining phosphoprotein 1; plus strand). Cytogenetic location: 13q34.
Variant type: Microsatellite.
Coding change: c.2004_2005del on transcript NM_032436.4 (MANE Select); coding-DNA positions 2004 to 2005, 2 bases deleted (GA; older notation c.2004_2005delGA).
Protein change: p.Asn669fs; shifts the reading frame from asparagine 669.
Molecular consequence: frameshift variant.
Genome position (GRCh38, 1-based): chr13:114,325,846-114,325,847, GA deleted; deleting any 2 consecutive bases within chr13:114,325,843-114,325,847 gives the same sequence; the c. name uses the placement nearest the transcript's 3' end. VCF-style (leftmost placement, unchanged base first): chr13-114325842-AAG-A. GRCh37 (hg19) VCF-style: chr13-115091317-AAG-A.
Other names: c.2004_2005del, p.Asn669fs (NM_001164144.3, NM_001164145.3); short protein forms N669fs.
Identifiers: ClinVar variation 2444101 (VCV002444101.1), dbSNP rs2503204393, ClinGen allele CA2580616547.